The following is an entry in ClinVar:

NM_014956.5(CEP164):c.1909C>A (p.His637Asn)

Gene: CEP164 (centrosomal protein 164; plus strand). Cytogenetic location: 11q23.3.
Variant type: single nucleotide variant.
Coding change: c.1909C>A on transcript NM_014956.5 (MANE Select); coding-DNA position 1909, C replaced by A.
Protein change: p.His637Asn; replaces histidine 637 with asparagine.
Molecular consequence: missense variant.
Genome position (GRCh38, 1-based): chr11:117,387,387, C>A. VCF-style: chr11-117387387-C-A. GRCh37 (hg19) VCF-style: chr11-117258103-C-A.
Other names: c.1918C>A, p.His640Asn (NM_001271933.2); c.1909C>A (NM_014956.4); short protein forms H637N, H640N.
Identifiers: ClinVar variation 1412958 (VCV001412958.8), dbSNP rs2044090246, ClinGen allele CA382718894.

ClinVar aggregate classification (germline): Uncertain significance. Review status: criteria provided, multiple submitters, no conflicts (2 of 4 stars). 3 submissions from 3 submitters: Uncertain significance (3). Last evaluated 2025-12-14.

Conditions:
CEP164-related disorder. Also called: CEP164-related condition.
Nephronophthisis 15 (NPHP15). Identifiers: Orphanet 3156, MedGen C3541853, MONDO:0013917, OMIM 614845.

Allele frequency attached by ClinVar (database versions not stated): TOPMed 0.00001.

Submissions (3):

PreventionGenetics, part of Exact Sciences
Classification: Uncertain significance for CEP164-related condition. Last evaluated: 2025-12-14. Review status: criteria provided, single submitter. Criteria: ACMG Guidelines, 2015. Collection method: clinical testing. Allele origin: germline.
Comment: The CEP164 c.1909C>A variant is predicted to result in the amino acid substitution p.His637Asn. To our knowledge, this variant has not been reported in the literature or in a large population database (gnomAD), indicating this variant is rare. At this time, the clinical significance of this variant is uncertain due to the absence of conclusive functional and genetic evidence.

Fulgent Genetics
Classification: Uncertain significance for Nephronophthisis 15. Last evaluated: 2024-02-05. Review status: criteria provided, single submitter. Criteria: ACMG Guidelines, 2015. Collection method: clinical testing. Allele origin: germline.

Labcorp Genetics (formerly Invitae), Labcorp
Classification: Uncertain significance for Nephronophthisis 15. Last evaluated: 2023-11-27. Review status: criteria provided, single submitter. Criteria: Invitae Variant Classification Sherloc (09022015). Collection method: clinical testing. Allele origin: germline.
Comment: This sequence change replaces histidine, which is basic and polar, with asparagine, which is neutral and polar, at codon 637 of the CEP164 protein (p.His637Asn). This variant is not present in population databases (gnomAD no frequency). This variant has not been reported in the literature in individuals affected with CEP164-related conditions. ClinVar contains an entry for this variant (Variation ID: 1412958). Advanced modeling of protein sequence and biophysical properties (such as structural, functional, and spatial information, amino acid conservation, physicochemical variation, residue mobility, and thermodynamic stability) performed at Invitae indicates that this missense variant is not expected to disrupt CEP164 protein function with a negative predictive value of 80%. In summary, the available evidence is currently insufficient to determine the role of this variant in disease. Therefore, it has been classified as a Variant of Uncertain Significance.